The following is an entry in ClinVar:

NM_000701.8(ATP1A1):c.1246G>C (p.Ala416Pro)

Gene: ATP1A1 (ATPase Na+/K+ transporting subunit alpha 1; plus strand). Cytogenetic location: 1p13.1.
Variant type: single nucleotide variant.
Coding change: c.1246G>C on transcript NM_000701.8 (MANE Select); coding-DNA position 1246, G replaced by C.
Protein change: p.Ala416Pro; replaces alanine 416 with proline.
Molecular consequence: missense variant.
Genome position (GRCh38, 1-based): chr1:116,390,805, G>C. VCF-style: chr1-116390805-G-C. GRCh37 (hg19) VCF-style: chr1-116933427-G-C.
Other names: c.1246G>C, p.Ala416Pro (NM_001160233.2); c.1153G>C, p.Ala385Pro (NM_001160234.2); short protein forms A385P, A416P.
Identifiers: ClinVar variation 1925542 (VCV001925542.5), dbSNP rs372871986, ClinGen allele CA1025266.

ClinVar aggregate classification (germline): Uncertain significance (1 of 4 stars; one submission).

Allele frequency attached by ClinVar (database versions not stated): gnomAD exomes 0.00001; TOPMed 0.00001; ExAC 0.00002; ESP Exome Variant Server 0.00008.
gnomAD v4.1: 19 of 1,614,180 alleles (0.0012%); highest among the groups gnomAD compares: Non-Finnish European, 0.0015%; no homozygotes.

Submission:

Labcorp Genetics (formerly Invitae), Labcorp
Classification: Uncertain significance. Last evaluated: 2024-10-07. Review status: criteria provided, single submitter. Criteria: Invitae Variant Classification Sherloc (09022015). Collection method: clinical testing. Allele origin: germline.
Comment: This sequence change replaces alanine, which is neutral and non-polar, with proline, which is neutral and non-polar, at codon 416 of the ATP1A1 protein (p.Ala416Pro). This variant is present in population databases (rs372871986, gnomAD 0.002%). This variant has not been reported in the literature in individuals affected with ATP1A1-related conditions. ClinVar contains an entry for this variant (Variation ID: 1925542). Invitae Evidence Modeling of protein sequence and biophysical properties (such as structural, functional, and spatial information, amino acid conservation, physicochemical variation, residue mobility, and thermodynamic stability) indicates that this missense variant is not expected to disrupt ATP1A1 protein function with a negative predictive value of 95%. In summary, the available evidence is currently insufficient to determine the role of this variant in disease. Therefore, it has been classified as a Variant of Uncertain Significance.